The following is an entry in ClinVar:

ClinVar aggregate classification (germline): Benign (1 of 4 stars; one submission).

Conditions:
Vesicoureteral reflux 2 (VUR2). Identifiers: Orphanet 289365, MedGen C1970483, MONDO:0012573, OMIM 610878.

Allele frequency attached by ClinVar (database versions not stated): 1000 Genomes Project 0.00379; 1000 Genomes Project 30x 0.00437; gnomAD 0.00509 and 0.00549; TOPMed 0.00571.

Submission:

Illumina Laboratory Services, Illumina
Classification: Benign for Vesicoureteral reflux 2. Last evaluated: 2018-01-12. Review status: criteria provided, single submitter. Criteria: ICSL Variant Classification Criteria 13 December 2019. Collection method: clinical testing. Allele origin: germline.
Comment: This variant was observed in the ICSL laboratory as part of a predisposition screen in an ostensibly healthy population. It had not been previously curated by ICSL or reported in the Human Gene Mutation Database (HGMD: prior to June 1st, 2018), and was therefore a candidate for classification through an automated scoring system. Utilizing variant allele frequency, disease prevalence and penetrance estimates, and inheritance mode, an automated score was calculated to assess if this variant is too frequent to cause the disease. Based on the score and internal cut-off values, a variant classified as benign is not then subjected to further curation. The score for this variant resulted in a classification of benign for this disease.

NM_001395656.1(ROBO2):c.*3253C>T

Gene: ROBO2 (roundabout guidance receptor 2; plus strand). Cytogenetic location: 3p12.3.
Variant type: single nucleotide variant.
Coding change: c.*3253C>T on transcript NM_001395656.1 (MANE Select); 3253 bases downstream of the stop codon, C replaced by T.
Molecular consequence: 3 prime UTR variant.
Genome position (GRCh38, 1-based): chr3:77,649,308, C>T. VCF-style: chr3-77649308-C-T. GRCh37 (hg19) VCF-style: chr3-77698459-C-T.
Other names: c.*3253C>T (NM_001128929.3, NM_001290039.2, NM_001290040.2 and 14 more transcripts); c.*3250C>T (NM_001378194.1, NM_001378196.1, NM_001378199.1 and 3 more transcripts).
Identifiers: ClinVar variation 901081 (VCV000901081.5), dbSNP rs186906978, ClinGen allele CA77534546.
Genomic context (GRCh38, chr3:77,649,308, plus strand): 5'-AAACAGATTTAATGGTGTTCTATGTCATAGTTTAATGCTCTGGGTATTTAAATATGTTTT[C>T]AACAGGATTTGAGTTGAAAGTTTGTAATGTGCTTTGATGGAACACCTCTCAATTTCTATT-3'